The following is an entry in ClinVar:

NM_001458.5(FLNC):c.7885C>T (p.Pro2629Ser)

Genes: FLNC-AS1 (FLNC antisense RNA 1; minus strand), FLNC (filamin C; plus strand). Cytogenetic location: 7q32.1.
Variant type: single nucleotide variant.
Coding change: c.7885C>T on transcript NM_001458.5 (MANE Select); coding-DNA position 7885, C replaced by T.
Protein change: p.Pro2629Ser; replaces proline 2629 with serine.
Molecular consequence: missense variant.
Genome position (GRCh38, 1-based): chr7:128,858,112, C>T. VCF-style: chr7-128858112-C-T. GRCh37 (hg19) VCF-style: chr7-128498166-C-T.
Other names: c.7786C>T, p.Pro2596Ser (NM_001127487.2); short protein forms P2629S, P2596S.
Identifiers: ClinVar variation 2565538 (VCV002565538.4), dbSNP rs2536673005, ClinGen allele CA369220320.

ClinVar aggregate classification (germline): Uncertain significance. Review status: criteria provided, multiple submitters, no conflicts (2 of 4 stars). 2 submissions from 2 submitters: Uncertain significance (2). Last evaluated 2024-04-22.

Conditions:
Distal myopathy with posterior leg and anterior hand involvement. Also called: WILLIAMS DISTAL MYOPATHY. Identifiers: Orphanet 63273, MedGen C3279722, MONDO:0013550, OMIM 614065.
Hypertrophic cardiomyopathy 26. Also called: Cardiomyopathy, familial hypertrophic, 26. Identifiers: Orphanet 75249, MedGen C4310749, MONDO:0014883, OMIM 617047.
Myofibrillar myopathy 5. Also called: Filaminopathy (type); FILAMINOPATHY, AUTOSOMAL DOMINANT. Identifiers: Orphanet 171445, MedGen C1836050, MONDO:0012289, OMIM 609524.
Cardiovascular phenotype. Identifiers: MedGen CN230736.

Submissions (2):

Labcorp Genetics (formerly Invitae), Labcorp
Classification: Uncertain significance for Distal myopathy with posterior leg and anterior hand involvement; Myofibrillar myopathy 5; Hypertrophic cardiomyopathy 26. Last evaluated: 2024-04-22. Review status: criteria provided, single submitter. Criteria: Invitae Variant Classification Sherloc (09022015). Collection method: clinical testing. Allele origin: germline.
Comment: This sequence change replaces proline, which is neutral and non-polar, with serine, which is neutral and polar, at codon 2629 of the FLNC protein (p.Pro2629Ser). This variant is not present in population databases (gnomAD no frequency). This variant has not been reported in the literature in individuals affected with FLNC-related conditions. ClinVar contains an entry for this variant (Variation ID: 2565538). An algorithm developed to predict the effect of missense changes on protein structure and function (PolyPhen-2) suggests that this variant is likely to be tolerated. In summary, the available evidence is currently insufficient to determine the role of this variant in disease. Therefore, it has been classified as a Variant of Uncertain Significance.

Ambry Genetics
Classification: Uncertain significance for Cardiovascular phenotype. Last evaluated: 2023-06-14. Review status: criteria provided, single submitter. Criteria: Ambry Variant Classification Scheme 2023. Collection method: clinical testing. Allele origin: germline.
Comment: The p.P2629S variant (also known as c.7885C>T), located in coding exon 47 of the FLNC gene, results from a C to T substitution at nucleotide position 7885. The proline at codon 2629 is replaced by serine, an amino acid with similar properties. This amino acid position is conserved. In addition, the in silico prediction for this alteration is inconclusive. Since supporting evidence is limited at this time, the clinical significance of this alteration remains unclear.